The following is an entry in ClinVar:

NM_006899.5(IDH3B):c.1151G>A (p.Gly384Glu)

Gene: IDH3B (isocitrate dehydrogenase (NAD(+)) 3 non-catalytic subunit beta; minus strand). Cytogenetic location: 20p13.
Variant type: single nucleotide variant.
Coding change: c.1151G>A on transcript NM_006899.5 (MANE Select); coding-DNA position 1151, G replaced by A.
Protein change: p.Gly384Glu; replaces glycine 384 with glutamic acid.
Molecular consequence: missense variant. On other transcripts: non-coding transcript variant (1), intron variant (1), splice donor variant (1).
Genome position (GRCh38, 1-based): chr20:2,658,758, C>T on the plus strand (G>A on the coding strand, the complement: IDH3B is on the minus strand). VCF-style: chr20-2658758-C-T. GRCh37 (hg19) VCF-style: chr20-2639404-C-T.
Other names: c.1072-236G>A (NM_174855.4); c.1150+1G>A (NM_001330763.2); short protein forms G384E.
Identifiers: ClinVar variation 954682 (VCV000954682.8), dbSNP rs1196147298, ClinGen allele CA408032262.
Genomic context (GRCh38, chr20:2,658,758, plus strand): 5'-ACTGAAGGGTATGGGGAGTGTGGTCCTTGCAAGGTTGGAAGAAATAAAGGGCTCTAGCTC[C>T]CTTTAGTCTGCAGGTGACCGATGACAGACTTGATGAAGTCGGTTGTGGTGCTGTAGCCGC-3'
Protein context (NP_008830.2, residues 374-385): KSVIGHLQTK[Gly384Glu]S

ClinVar aggregate classification (germline): Uncertain significance (1 of 4 stars; one submission).

Allele frequency attached by ClinVar (database versions not stated): gnomAD exomes below 0.00001; gnomAD 0.00001; TOPMed 0.00001.

Submission:

Labcorp Genetics (formerly Invitae), Labcorp
Classification: Uncertain significance. Last evaluated: 2019-11-05. Review status: criteria provided, single submitter. Criteria: Invitae Variant Classification Sherloc (09022015). Collection method: clinical testing. Allele origin: germline.
Comment: This sequence change replaces glycine with glutamic acid at codon 384 of the IDH3B protein (p.Gly384Glu). The glycine residue is weakly conserved and there is a moderate physicochemical difference between glycine and glutamic acid. This variant is not present in population databases (ExAC no frequency). This variant has not been reported in the literature in individuals with IDH3B-related conditions. Algorithms developed to predict the effect of missense changes on protein structure and function are either unavailable or do not agree on the potential impact of this missense change (SIFT: "Tolerated"; PolyPhen-2: "Probably Damaging"; Align-GVGD: "Class C0"). In summary, the available evidence is currently insufficient to determine the role of this variant in disease. Therefore, it has been classified as a Variant of Uncertain Significance.